The following is an entry in ClinVar:

NM_000540.3(RYR1):c.162G>A (p.Ala54=)

Gene: RYR1 (ryanodine receptor 1; plus strand). Cytogenetic location: 19q13.2.
Variant type: single nucleotide variant.
Coding change: c.162G>A on transcript NM_000540.3 (MANE Select); coding-DNA position 162, G replaced by A.
Protein change: p.Ala54=; no amino-acid change (alanine 54 retained).
Molecular consequence: synonymous variant.
Genome position (GRCh38, 1-based): chr19:38,440,861, G>A. VCF-style: chr19-38440861-G-A. GRCh37 (hg19) VCF-style: chr19-38931501-G-A.
Other names: c.162G>A, p.Ala54= (NM_001042723.2).
Identifiers: ClinVar variation 386962 (VCV000386962.8), dbSNP rs769042961, ClinGen allele CA062202.

ClinVar aggregate classification (germline): Likely benign. Review status: criteria provided, multiple submitters, no conflicts (2 of 4 stars). 3 submissions from 3 submitters: Likely benign (3). Last evaluated 2023-12-29.

Conditions:
RYR1-related disorder. Also called: RYR1-related disorders; RYR1-related condition. Identifiers: MedGen CN239331.
Malignant hyperthermia, susceptibility to, 1 (MHS1). Also called: RYR1-Related Malignant Hyperthermia Susceptibility; Anesthesia related hyperthermia; Malignant hyperpyrexia; Fulminating hyperpyrexia; Pharmacogenic myopathy; Malignant hyperthermia suceptibility 1. Identifiers: Orphanet 423, MedGen C2930980, MONDO:0007783, OMIM 145600.

Allele frequency attached by ClinVar (database versions not stated): gnomAD exomes 0.00001 and 0.00002; TOPMed 0.00001; ExAC 0.00003; gnomAD 0.00006.
gnomAD v4.1: 17 of 1,611,856 alleles (0.0011%); highest among the groups gnomAD compares: Non-Finnish European, 0.0014%; no homozygotes.

Submissions (3):

Labcorp Genetics (formerly Invitae), Labcorp
Classification: Likely benign for RYR1-related disorder. Last evaluated: 2023-12-29. Review status: criteria provided, single submitter. Criteria: Invitae Variant Classification Sherloc (09022015). Collection method: clinical testing. Allele origin: germline.

Color Diagnostics, LLC DBA Color Health
Classification: Likely benign for Malignant hyperthermia, susceptibility to, 1. Last evaluated: 2022-11-06. Review status: criteria provided, single submitter. Criteria: ACMG Guidelines, 2015. Collection method: clinical testing. Allele origin: germline.

GeneDx
Classification: Likely benign. Last evaluated: 2016-07-06. Review status: criteria provided, single submitter. Criteria: GeneDx Variant Classification (06012015). Collection method: clinical testing. Allele origin: germline. Affected: yes.
Comment: This variant is considered likely benign or benign based on one or more of the following criteria: it is a conservative change, it occurs at a poorly conserved position in the protein, it is predicted to be benign by multiple in silico algorithms, and/or has population frequency not consistent with disease.